The following is an entry in ClinVar:

NM_000545.8(HNF1A):c.1660G>A (p.Gly554Arg)

Gene: HNF1A (HNF1 homeobox A; plus strand). Cytogenetic location: 12q24.31.
Variant type: single nucleotide variant.
Coding change: c.1660G>A on transcript NM_000545.8 (MANE Select); coding-DNA position 1660, G replaced by A.
Protein change: p.Gly554Arg; replaces glycine 554 with arginine.
Molecular consequence: missense variant.
Genome position (GRCh38, 1-based): chr12:120,999,519, G>A. VCF-style: chr12-120999519-G-A. GRCh37 (hg19) VCF-style: chr12-121437322-G-A.
Other names: c.1681G>A, p.Gly561Arg (NM_001306179.2); c.1660G>A (NM_000545.5); short protein forms G554R, G561R.
Identifiers: ClinVar variation 1365974 (VCV001365974.8), dbSNP rs752230220, ClinGen allele CA6832137.

ClinVar aggregate classification (germline): Uncertain significance. Review status: criteria provided, multiple submitters, no conflicts (2 of 4 stars). 2 submissions from 2 submitters: Uncertain significance (2). Last evaluated 2025-12-01.

Allele frequency attached by ClinVar (database versions not stated): gnomAD 0.00001; TOPMed 0.00001.
gnomAD v4.1: 21 of 1,613,370 alleles (0.0013%); highest among the groups gnomAD compares: Admixed American, 0.015%; 1 homozygote.

Submissions (2):

Labcorp Genetics (formerly Invitae), Labcorp
Classification: Uncertain significance. Last evaluated: 2025-12-01. Review status: criteria provided, single submitter. Criteria: Invitae Variant Classification Sherloc (09022015). Collection method: clinical testing. Allele origin: germline.
Comment: This sequence change replaces glycine, which is neutral and non-polar, with arginine, which is basic and polar, at codon 554 of the HNF1A protein (p.Gly554Arg). This variant is present in population databases (rs752230220, gnomAD 0.02%). This missense change has been observed in individual(s) with clinical features of HNFF1A-related conditions (PMID: 28453780, 33046911; internal data). ClinVar contains an entry for this variant (Variation ID: 1365974). Invitae Evidence Modeling of protein sequence and biophysical properties (such as structural, functional, and spatial information, amino acid conservation, physicochemical variation, residue mobility, and thermodynamic stability) indicates that this missense variant is expected to disrupt HNF1A protein function with a positive predictive value of 95%. In summary, the available evidence is currently insufficient to determine the role of this variant in disease. Therefore, it has been classified as a Variant of Uncertain Significance.

Athena Diagnostics
Classification: Uncertain significance. Last evaluated: 2024-02-15. Review status: criteria provided, single submitter. Criteria: Athena Diagnostics Criteria. Collection method: clinical testing. Allele origin: unknown.
Comment: Available data are insufficient to determine the clinical significance of the variant at this time. The frequency of this variant in the general population is higher than would generally be expected for pathogenic variants in this gene. Computational tools disagree on the variant's effect on normal protein function.

Literature cited by the submitters: PubMed 28453780 (cited by Labcorp Genetics (formerly Invitae), Labcorp and Athena Diagnostics); PubMed 33046911 (cited by Labcorp Genetics (formerly Invitae), Labcorp and Athena Diagnostics).